The following is an entry in ClinVar:

ClinVar aggregate classification (germline): Uncertain significance (1 of 4 stars; one submission).

Conditions:
Wilson disease (WND). Also called: Wilson's disease. Identifiers: Orphanet 905, MedGen C0019202, MONDO:0010200, OMIM 277900. Disease mechanism: loss of function.

gnomAD v4.1: 1 of 1,614,170 alleles (0.000062%); highest among the groups gnomAD compares: Non-Finnish European, 0.000085%; no homozygotes.

Submission:

Color Diagnostics, LLC DBA Color Health
Classification: Uncertain significance for Wilson disease. Last evaluated: 2025-08-19. Review status: criteria provided, single submitter. Criteria: ACMG Guidelines, 2015. Collection method: clinical testing. Allele origin: germline.
Comment: This missense variant replaces lysine with glutamic acid at codon 785 of the ATP7B protein. Computational prediction suggests that this variant may have deleterious impact on protein structure and function. To our knowledge, functional studies have not been reported for this variant. This variant has not been reported in individuals affected with Wilson disease in the literature. This variant has not been identified in the general population by the Genome Aggregation Database (gnomAD). The available evidence is insufficient to determine the role of this variant in disease conclusively. Therefore, this variant is classified as a Variant of Uncertain Significance.

NM_000053.4(ATP7B):c.2353A>G (p.Lys785Glu)

Gene: ATP7B (ATPase copper transporting beta; minus strand). Cytogenetic location: 13q14.3.
Variant type: single nucleotide variant.
Coding change: c.2353A>G on transcript NM_000053.4 (MANE Select); coding-DNA position 2353, A replaced by G.
Protein change: p.Lys785Glu; replaces lysine 785 with glutamic acid.
Molecular consequence: missense variant. On other transcripts: intron variant (14).
Genome position (GRCh38, 1-based): chr13:51,958,313, T>C on the plus strand (A>G on the coding strand, the complement: ATP7B is on the minus strand). VCF-style: chr13-51958313-T-C. GRCh37 (hg19) VCF-style: chr13-52532449-T-C.
Other names: c.2020A>G, p.Lys674Glu (NM_001243182.2); c.2101A>G, p.Lys701Glu (NM_001330579.2, NM_001406531.1, NM_001406532.1 and 1 more transcripts); c.2353A>G, p.Lys785Glu (NM_001406511.1, NM_001406512.1, NM_001406513.1 and 7 more transcripts); c.2320A>G, p.Lys774Glu (NM_001406514.1); c.2257A>G, p.Lys753Glu (NM_001406517.1, NM_001406518.1); c.2209A>G, p.Lys737Glu (NM_001406520.1, NM_001406521.1, NM_001406522.1 and 1 more transcripts); c.2176A>G, p.Lys726Glu (NM_001406524.1); c.1870-706A>G (NM_001406541.1, NM_001005918.3, NM_001406546.1 and 1 more transcripts); and 8 more; short protein forms K642E, K669E, K674E, K701E, K705E, K726E, K737E, K753E.
Identifiers: ClinVar variation 4758441 (VCV004758441.1).